The following is an entry in ClinVar:

NM_174936.4(PCSK9):c.1518G>C (p.Lys506Asn)

Gene: PCSK9 (proprotein convertase subtilisin/kexin type 9; plus strand). Cytogenetic location: 1p32.3.
Variant type: single nucleotide variant.
Coding change: c.1518G>C on transcript NM_174936.4 (MANE Select); coding-DNA position 1518, G replaced by C.
Protein change: p.Lys506Asn; replaces lysine 506 with asparagine.
Molecular consequence: missense variant.
Genome position (GRCh38, 1-based): chr1:55,059,500, G>C. VCF-style: chr1-55059500-G-C. GRCh37 (hg19) VCF-style: chr1-55525173-G-C.
Other names: c.1641G>C, p.Lys547Asn (NM_001407240.1); c.1560G>C, p.Lys520Asn (NM_001407241.1); c.1521G>C, p.Lys507Asn (NM_001407242.1); c.1461G>C, p.Lys487Asn (NM_001407243.1); c.1344G>C, p.Lys448Asn (NM_001407244.1); c.1326G>C, p.Lys442Asn (NM_001407245.1); c.1143G>C, p.Lys381Asn (NM_001407246.1); short protein forms K506N, K487N, K547N, K381N, K448N, K520N, K442N, K507N.
Identifiers: ClinVar variation 659514 (VCV000659514.10), dbSNP rs903946804, ClinGen allele CA340479618.

ClinVar aggregate classification (germline): Uncertain significance (1 of 4 stars; one submission).

Conditions:
Hypercholesterolemia, autosomal dominant, 3 (FHCL3). Also called: PCSK9-Related Familial Hypercholesterolemia, Autosomal Dominant; Familial Hypercholesterolemia, Autosomal Dominant, 3; Familial hypercholesterolemia 3. Identifiers: MedGen C1863551, MONDO:0011369, OMIM 603776.

gnomAD v4.1: 1 of 1,565,526 alleles (0.000064%); highest among the groups gnomAD compares: Non-Finnish European, 0.000087%; no homozygotes.

Submission:

Labcorp Genetics (formerly Invitae), Labcorp
Classification: Uncertain significance for Hypercholesterolemia, autosomal dominant, 3. Last evaluated: 2018-11-22. Review status: criteria provided, single submitter. Criteria: Invitae Variant Classification Sherloc (09022015). Collection method: clinical testing. Allele origin: germline.
Comment: In summary, the available evidence is currently insufficient to determine the role of this variant in disease. Therefore, it has been classified as a Variant of Uncertain Significance. Algorithms developed to predict the effect of missense changes on protein structure and function (SIFT, PolyPhen-2, Align-GVGD) all suggest that this variant is likely to be tolerated, but these predictions have not been confirmed by published functional studies and their clinical significance is uncertain. This variant has not been reported in the literature in individuals with PCSK9-related conditions. This variant is not present in population databases (ExAC no frequency). This sequence change replaces lysine with asparagine at codon 506 of the PCSK9 protein (p.Lys506Asn). The lysine residue is weakly conserved and there is a moderate physicochemical difference between lysine and asparagine.